The following is an entry in ClinVar:

ClinVar aggregate classification (germline): Likely benign (1 of 4 stars; one submission).

Allele frequency attached by ClinVar (database versions not stated): gnomAD 0.00004; gnomAD exomes 0.00004; TOPMed 0.00008; ExAC 0.00010.
gnomAD v4.1: 62 of 1,613,962 alleles (0.0038%); highest among the groups gnomAD compares: East Asian, 0.089%; 1 homozygote.

Submission:

CeGaT Center for Human Genetics Tuebingen
Classification: Likely benign. Last evaluated: 2022-11-01. Review status: criteria provided, single submitter. Criteria: CeGaT Center For Human Genetics Tuebingen Variant Classification Criteria Version 2. Collection method: clinical testing. Allele origin: germline. Affected: yes. Observed: 1 variant allele.
Comment: MYH15: BP4, BP7

NM_014981.3(MYH15):c.294C>T (p.Ser98=)

Gene: MYH15 (myosin heavy chain 15; minus strand). Cytogenetic location: 3q13.13.
Variant type: single nucleotide variant.
Coding change: c.294C>T on transcript NM_014981.3 (MANE Select); coding-DNA position 294, C replaced by T.
Protein change: p.Ser98=; no amino-acid change (serine 98 retained).
Molecular consequence: synonymous variant.
Genome position (GRCh38, 1-based): chr3:108,501,757, G>A on the plus strand (C>T on the coding strand, the complement: MYH15 is on the minus strand). VCF-style: chr3-108501757-G-A. GRCh37 (hg19) VCF-style: chr3-108220604-G-A.
Identifiers: ClinVar variation 2654024 (VCV002654024.24), dbSNP rs749184847, ClinGen allele CA2528979.